The following is an entry in ClinVar:

NM_004360.5(CDH1):c.2493C>G (p.Leu831=)

Gene: CDH1 (cadherin 1; plus strand). Cytogenetic location: 16q22.1.
Variant type: single nucleotide variant.
Coding change: c.2493C>G on transcript NM_004360.5 (MANE Select); coding-DNA position 2493, C replaced by G.
Protein change: p.Leu831=; no amino-acid change (leucine 831 retained).
Molecular consequence: synonymous variant.
Genome position (GRCh38, 1-based): chr16:68,833,343, C>G. VCF-style: chr16-68833343-C-G. GRCh37 (hg19) VCF-style: chr16-68867246-C-G.
Other names: c.2493C>G (LRG_301t1); c.2310C>G, p.Leu770= (NM_001317184.2); c.945C>G, p.Leu315= (NM_001317185.2); c.528C>G, p.Leu176= (NM_001317186.2).
Identifiers: ClinVar variation 483239 (VCV000483239.13), dbSNP rs779267700, ClinGen allele CA496393065.

ClinVar aggregate classification (germline): Benign/Likely benign. Review status: criteria provided, multiple submitters, no conflicts (2 of 4 stars). 5 submissions from 5 submitters: Benign (1); Likely benign (4). Last evaluated 2024-09-24.

Conditions:
Hereditary cancer-predisposing syndrome. Also called: Hereditary neoplastic syndrome; Neoplastic Syndromes, Hereditary; Tumor predisposition; Hereditary Cancer Syndrome. Identifiers: Orphanet 140162, MedGen C0027672, MeSH D009386, MONDO:0015356.
Hereditary diffuse gastric adenocarcinoma (HDGC). Also called: DIFFUSE GASTRIC AND LOBULAR BREAST CANCER SYNDROME. Identifiers: Orphanet 26106, MedGen C1708349, MONDO:0007648, OMIM 137215.

Allele frequency attached by ClinVar (database versions not stated): TOPMed 0.00001.
gnomAD v4.1: 6 of 1,614,062 alleles (0.00037%); highest among the groups gnomAD compares: East Asian, 0.013%; no homozygotes.

Submissions (5):

Myriad Genetics, Inc.
Classification: Benign for Hereditary diffuse gastric adenocarcinoma. Last evaluated: 2024-09-24. Review status: criteria provided, single submitter. Criteria: Myriad Autosomal Dominant, Autosomal Recessive and X-Linked Classification Criteria (2023). Collection method: clinical testing. Allele origin: unknown.
Comment: This variant is considered benign. This variant is a silent/synonymous amino acid change and it is not expected to impact splicing.

Labcorp Genetics (formerly Invitae), Labcorp
Classification: Likely benign for Hereditary diffuse gastric adenocarcinoma. Last evaluated: 2024-07-30. Review status: criteria provided, single submitter. Criteria: Invitae Variant Classification Sherloc (09022015). Collection method: clinical testing. Allele origin: germline.

Women's Health and Genetics/Laboratory Corporation of America, LabCorp
Classification: Likely benign. Last evaluated: 2019-08-02. Review status: criteria provided, single submitter. Criteria: LabCorp Variant Classification Summary - May 2015. Collection method: clinical testing. Allele origin: germline.

Color Diagnostics, LLC DBA Color Health
Classification: Likely benign for Hereditary cancer-predisposing syndrome. Last evaluated: 2018-10-09. Review status: criteria provided, single submitter. Criteria: ACMG Guidelines, 2015. Collection method: clinical testing. Allele origin: germline.

Ambry Genetics
Classification: Likely benign for Hereditary cancer-predisposing syndrome. Last evaluated: 2017-08-15. Review status: criteria provided, single submitter. Criteria: Ambry Variant Classification Scheme 2023. Collection method: clinical testing. Allele origin: germline.